The following is an entry in ClinVar:

ClinVar aggregate classification (germline): Uncertain significance (1 of 4 stars; one submission).

Submission:

GeneDx
Classification: Uncertain significance. Last evaluated: 2024-08-22. Review status: criteria provided, single submitter. Criteria: GeneDx Variant Classification Process June 2021. Collection method: clinical testing. Allele origin: germline. Affected: yes.
Comment: Not observed at significant frequency in large population cohorts (gnomAD); In silico analysis supports that this missense variant has a deleterious effect on protein structure/function; Has not been previously published as pathogenic or benign to our knowledge

NM_000719.7(CACNA1C):c.6160A>G (p.Lys2054Glu)

Genes: CACNA1C (calcium voltage-gated channel subunit alpha1 C; plus strand), CACNA1C-AS1 (CACNA1C antisense RNA 1; minus strand). Cytogenetic location: 12p13.33.
Variant type: single nucleotide variant.
Coding change: c.6160A>G on transcript NM_000719.7 (MANE Select); coding-DNA position 6160, A replaced by G.
Protein change: p.Lys2054Glu; replaces lysine 2054 with glutamic acid.
Molecular consequence: missense variant. On other transcripts: non-coding transcript variant (1).
Genome position (GRCh38, 1-based): chr12:2,690,942, A>G. VCF-style: chr12-2690942-A-G. GRCh37 (hg19) VCF-style: chr12-2800108-A-G.
Other names: c.6304A>G, p.Lys2102Glu (NM_001129827.2); c.6283A>G, p.Lys2095Glu (NM_001129829.2); c.6265A>G, p.Lys2089Glu (NM_001129830.3, NM_001167624.3); c.6244A>G, p.Lys2082Glu (NM_001129831.2); c.6220A>G, p.Lys2074Glu (NM_001129832.2); c.6217A>G, p.Lys2073Glu (NM_001129833.2, NM_001129834.2, NM_001129835.2); c.6211A>G, p.Lys2071Glu (NM_001129836.2); c.6184A>G, p.Lys2062Glu (NM_001129837.2, NM_001129838.2); and 6 more; short protein forms K2043E, K2051E, K2054E, K2060E, K2062E, K2071E, K2073E, K2074E.
Identifiers: ClinVar variation 3764136 (VCV003764136.1).